The following is an entry in ClinVar:

ClinVar aggregate classification (germline): Uncertain significance (1 of 4 stars; one submission).

Allele frequency attached by ClinVar (database versions not stated): gnomAD exomes below 0.00001; TOPMed below 0.00001; gnomAD 0.00001.
gnomAD v4.1: 8 of 1,614,060 alleles (0.0005%); highest among the groups gnomAD compares: Non-Finnish European, 0.00068%; no homozygotes.

Submission:

Labcorp Genetics (formerly Invitae), Labcorp
Classification: Uncertain significance. Last evaluated: 2023-09-21. Review status: criteria provided, single submitter. Criteria: Invitae Variant Classification Sherloc (09022015). Collection method: clinical testing. Allele origin: germline.
Comment: This sequence change replaces alanine, which is neutral and non-polar, with threonine, which is neutral and polar, at codon 420 of the TAF6 protein (p.Ala420Thr). This variant is not present in population databases (gnomAD no frequency). This variant has not been reported in the literature in individuals affected with TAF6-related conditions. Advanced modeling of protein sequence and biophysical properties (such as structural, functional, and spatial information, amino acid conservation, physicochemical variation, residue mobility, and thermodynamic stability) performed at Invitae indicates that this missense variant is not expected to disrupt TAF6 protein function. In summary, the available evidence is currently insufficient to determine the role of this variant in disease. Therefore, it has been classified as a Variant of Uncertain Significance.

NM_139315.3(TAF6):c.1258G>A (p.Ala420Thr)

Genes: AP4M1 (adaptor related protein complex 4 subunit mu 1; plus strand), TAF6 (TATA-box binding protein associated factor 6; minus strand). Cytogenetic location: 7q22.1.
Variant type: single nucleotide variant.
Coding change: c.1258G>A on transcript NM_139315.3 (MANE Select); coding-DNA position 1258, G replaced by A.
Protein change: p.Ala420Thr; replaces alanine 420 with threonine.
Molecular consequence: missense variant. On other transcripts: non-coding transcript variant (1).
Genome position (GRCh38, 1-based): chr7:100,109,974, C>T on the plus strand (G>A on the coding strand, the complement: TAF6 is on the minus strand). VCF-style: chr7-100109974-C-T. GRCh37 (hg19) VCF-style: chr7-99707597-C-T.
Other names: c.1369G>A, p.Ala457Thr (NM_001190415.2); c.1258G>A, p.Ala420Thr (NM_001364998.1, NM_001364999.1, NM_005641.4); c.1228G>A, p.Ala410Thr (NM_001365000.1, NM_001365001.1, NM_001365002.1 and 1 more transcripts); c.1396G>A, p.Ala466Thr (NM_001365004.1); short protein forms A466T, A420T, A457T, A410T.
Identifiers: ClinVar variation 2880568 (VCV002880568.3), dbSNP rs1174044615, ClinGen allele CA368483664.
Genomic context (GRCh38, chr7:100,109,974, plus strand): 5'-AGTGGGCAGGTGTGGGGACAGGGGCTTCAGTCACCAGCAGGAGGCTCTGCACATGGTCTG[C>T]TCCAATCCGGTCAATGTTGCTCAGCACAGGGCCGTCCAGCACACTGCGGATCCGCTCCCC-3'
Protein context (NP_647476.1, residues 410-430): PVLSNIDRIG[Ala420Thr]DHVQSLLLKH